The following is an entry in ClinVar:

ClinVar aggregate classification (germline): Uncertain significance (1 of 4 stars; one submission).

Conditions:
Inborn genetic diseases. Identifiers: MedGen C0950123, MeSH D030342.

Submission:

Ambry Genetics
Classification: Uncertain significance for Inborn genetic diseases. Last evaluated: 2022-10-05. Review status: criteria provided, single submitter. Criteria: Ambry Variant Classification Scheme 2023. Collection method: clinical testing. Allele origin: germline.
Comment: The p.P1678T variant (also known as c.5032C>A), located in coding exon 35 of the LRRK2 gene, results from a C to A substitution at nucleotide position 5032. The proline at codon 1678 is replaced by threonine, an amino acid with highly similar properties. This amino acid position is conserved. In addition, this alteration is predicted to be deleterious by in silico analysis. Since supporting evidence is limited at this time, the clinical significance of this alteration remains unclear.

NM_198578.4(LRRK2):c.5032C>A (p.Pro1678Thr)

Gene: LRRK2 (leucine rich repeat kinase 2; plus strand). Cytogenetic location: 12q12.
Variant type: single nucleotide variant.
Coding change: c.5032C>A on transcript NM_198578.4 (MANE Select); coding-DNA position 5032, C replaced by A.
Protein change: p.Pro1678Thr; replaces proline 1678 with threonine.
Molecular consequence: missense variant.
Genome position (GRCh38, 1-based): chr12:40,321,050, C>A. VCF-style: chr12-40321050-C-A. GRCh37 (hg19) VCF-style: chr12-40714852-C-A.
Other names: short protein forms P1678T.
Identifiers: ClinVar variation 1744906 (VCV001744906.2), dbSNP rs2136884827, ClinGen allele CA384419840.